The following is an entry in ClinVar:

NM_000094.4(COL7A1):c.7924G>A (p.Asp2642Asn)

Gene: COL7A1 (collagen type VII alpha 1 chain; minus strand). Cytogenetic location: 3p21.31.
Variant type: single nucleotide variant.
Coding change: c.7924G>A on transcript NM_000094.4 (MANE Select); coding-DNA position 7924, G replaced by A.
Protein change: p.Asp2642Asn; replaces aspartic acid 2642 with asparagine.
Molecular consequence: missense variant.
Genome position (GRCh38, 1-based): chr3:48,567,843, C>T on the plus strand (G>A on the coding strand, the complement: COL7A1 is on the minus strand). VCF-style: chr3-48567843-C-T. GRCh37 (hg19) VCF-style: chr3-48605276-C-T.
Other names: short protein forms D2642N.
Identifiers: ClinVar variation 3611968 (VCV003611968.3).
Genomic context (GRCh38, chr3:48,567,843, plus strand): 5'-GGGTGAGCCTTAGGCCCCAGGCCACGTAGCCCCCCAGCCCCCATCCCCTCTGTACCTTGT[C>T]TCCCTTCTCTCCATCAAGGCCACAGGCTCCCTTCACTCCCCGTTCACCCTGAGGGAGAAA-3'
Protein context (NP_000085.1, residues 2632-2652): GACGLDGEKG[Asp2642Asn]KGEAGPPGRP

ClinVar aggregate classification (germline): Uncertain significance. Review status: criteria provided, multiple submitters, no conflicts (2 of 4 stars). 2 submissions from 2 submitters: Uncertain significance (2). Last evaluated 2025-06-03.

gnomAD v4.1: 13 of 1,613,978 alleles (0.00081%); highest among the groups gnomAD compares: Non-Finnish European, 0.001%; no homozygotes.

Submissions (2):

GeneDx
Classification: Uncertain significance. Last evaluated: 2025-06-03. Review status: criteria provided, single submitter. Criteria: GeneDx Variant Classification Process June 2021. Collection method: clinical testing. Allele origin: germline. Affected: yes.
Comment: Not observed at significant frequency in large population cohorts (gnomAD); In silico analysis suggests that this missense variant does not alter protein structure/function; Has not been previously published as pathogenic or benign to our knowledge

Labcorp Genetics (formerly Invitae), Labcorp
Classification: Uncertain significance. Last evaluated: 2024-03-01. Review status: criteria provided, single submitter. Criteria: Invitae Variant Classification Sherloc (09022015). Collection method: clinical testing. Allele origin: germline.
Comment: This sequence change replaces aspartic acid, which is acidic and polar, with asparagine, which is neutral and polar, at codon 2642 of the COL7A1 protein (p.Asp2642Asn). This variant is present in population databases (rs770386098, gnomAD 0.0009%). This variant has not been reported in the literature in individuals affected with COL7A1-related conditions. Advanced modeling of protein sequence and biophysical properties (such as structural, functional, and spatial information, amino acid conservation, physicochemical variation, residue mobility, and thermodynamic stability) performed at Invitae indicates that this missense variant is not expected to disrupt COL7A1 protein function with a negative predictive value of 95%. In summary, the available evidence is currently insufficient to determine the role of this variant in disease. Therefore, it has been classified as a Variant of Uncertain Significance.